The following is an entry in ClinVar:

ClinVar aggregate classification (germline): Likely pathogenic (1 of 4 stars; one submission).

Conditions:
Malignant tumor of breast. Also called: Malignant breast neoplasm; Cancer breast. Identifiers: MedGen C0006142, MONDO:0007254. Disease mechanism: loss of function.

Submission:

Women's Health and Genetics/Laboratory Corporation of America, LabCorp
Classification: Likely pathogenic for Malignant tumor of breast. Last evaluated: 2021-02-26. Review status: criteria provided, single submitter. Criteria: LabCorp Variant Classification Summary - May 2015. Collection method: clinical testing. Allele origin: germline.
Comment: Variant summary: The variant identified by MLPA or other technology involves the partial deletion of exon 8 in the PALB2 gene. A presumed nomenclature of c.(2748+1_2749-1)_(2772_2835-1)del has been designated for the purposes of this classification. Although exact breakpoints of this deletion are not known, it is expected to result in the removal of at least 8 amino acids from the encoded protein, disrupting the PALB2 WD40 domain (IPR031920) which is required for interaction with the BRCA2 protein (PMID: 16793542). The variant was absent in 21694 control chromosomes (gnomAD, Structural Variants dataset). To our knowledge, no occurrence of partial deletion of exon 8 in individuals affected with Breast Cancer and no experimental evidence demonstrating its impact on protein function have been reported. No clinical diagnostic laboratories have submitted clinical-significance assessments for this variant to ClinVar after 2014. Nevertheless, deletion of the genomic region encompassing the entire exon 8 has been reported in the literature in at least one family affected with breast cancer (PMID: 31841383) and has been cited in ClinVar by one submitter (evaluation after 2014) as pathogenic. Multiple other deletions or duplications of whole exons clustered in the PALB2 WD40 domain have been reported in the literature in families affected with breast, ovarian or pancreatic cancer (PMID: 31841383). Based on the evidence outlined above, the variant was classified as likely pathogenic.

NC_000016.9:g.(23634452_23635392)_(23635416_23637556)del

Gene: PALB2 (partner and localizer of BRCA2; minus strand). Cytogenetic location: 16p12.2.
Variant type: Deletion.
Identifiers: ClinVar variation 1027596 (VCV001027596.2).